The following is an entry in ClinVar:

NM_017780.4(CHD7):c.5126A>T (p.Asp1709Val)

Gene: CHD7 (chromodomain helicase DNA binding protein 7; plus strand). Cytogenetic location: 8q12.2.
Variant type: single nucleotide variant.
Coding change: c.5126A>T on transcript NM_017780.4 (MANE Select); coding-DNA position 5126, A replaced by T.
Protein change: p.Asp1709Val; replaces aspartic acid 1709 with valine.
Molecular consequence: missense variant. On other transcripts: intron variant (1).
Genome position (GRCh38, 1-based): chr8:60,845,325, A>T. VCF-style: chr8-60845325-A-T. GRCh37 (hg19) VCF-style: chr8-61757884-A-T.
Other names: c.1717-16904A>T (NM_001316690.1); short protein forms D1709V.
Identifiers: ClinVar variation 929092 (VCV000929092.2), dbSNP rs768971850, ClinGen allele CA4760263.

ClinVar aggregate classification (germline): Uncertain significance. Review status: criteria provided, multiple submitters, no conflicts (2 of 4 stars). 2 submissions from 2 submitters: Uncertain significance (2). Last evaluated 2024-05-23.

Conditions:
Hypogonadotropic hypogonadism 5 with or without anosmia (KAL5). Also called: HYPOGONADOTROPIC HYPOGONADISM 5 WITH ANOSMIA; HYPOGONADOTROPHIC HYPOGONADISM 5 WITHOUT ANOSMIA; CHD7-Related GnRH Deficiency (Kallmann Syndrome 5). Identifiers: Orphanet 478, MedGen C3552553, MONDO:0012880, OMIM 612370. Disease mechanism: loss of function.
CHARGE syndrome (CHARGE). Also called: Hittner Hirsch Kreh syndrome; Coloboma, heart anomaly, choanal atresia, retardation, genital and ear anomalies; CHARGE association; Hall-Hittner syndrome; CHARGE ASSOCIATION--COLOBOMA, HEART ANOMALY, CHOANAL ATRESIA, RETARDATION, GENITAL AND EAR ANOMALIES. Identifiers: Orphanet 138, MedGen C0265354, MONDO:0008965.

Allele frequency attached by ClinVar (database versions not stated): gnomAD exomes below 0.00001; ExAC 0.00001.
gnomAD v4.1: 1 of 1,614,004 alleles (0.000062%); highest among the groups gnomAD compares: East Asian, 0.0022%; no homozygotes.

Submissions (2):

Fulgent Genetics
Classification: Uncertain significance for CHD7-related CHARGE syndrome; Hypogonadotropic hypogonadism 5 with or without anosmia. Last evaluated: 2024-05-23. Review status: criteria provided, single submitter. Criteria: ACMG Guidelines, 2015. Collection method: clinical testing. Allele origin: germline.

Women's Health and Genetics/Laboratory Corporation of America, LabCorp
Classification: Uncertain significance. Last evaluated: 2019-02-12. Review status: criteria provided, single submitter. Criteria: LabCorp Variant Classification Summary - May 2015. Collection method: clinical testing. Allele origin: germline.
Comment: Variant summary: CHD7 c.5126A>T (p.Asp1709Val) results in a non-conservative amino acid change in the encoded protein sequence. Three of five in-silico tools predict a damaging effect of the variant on protein function. The variant allele was found at a frequency of 4.1e-06 in 246148 control chromosomes (gnomAD). The available data on variant occurrences in the general population are insufficient to allow any conclusion about variant significance. To our knowledge, no occurrence of c.5126A>T in individuals affected with CHARGE Syndrome and no experimental evidence demonstrating its impact on protein function have been reported. No clinical diagnostic laboratories have submitted clinical-significance assessments for this variant to ClinVar after 2014. Based on the evidence outlined above, the variant was classified as uncertain significance.